The following is an entry in ClinVar:

ClinVar aggregate classification (germline): Likely benign (1 of 4 stars; one submission).

Allele frequency attached by ClinVar (database versions not stated): gnomAD 0.00001; gnomAD exomes 0.00001.
gnomAD v4.1: 15 of 1,613,652 alleles (0.00093%); highest among the groups gnomAD compares: Non-Finnish European, 0.0013%; no homozygotes.

Submission:

CeGaT Center for Human Genetics Tuebingen
Classification: Likely benign. Last evaluated: 2022-11-01. Review status: criteria provided, single submitter. Criteria: CeGaT Center For Human Genetics Tuebingen Variant Classification Criteria Version 2. Collection method: clinical testing. Allele origin: germline. Affected: yes. Observed: 1 variant allele.
Comment: GABRA5: BP4, BP7

NM_000810.4(GABRA5):c.1299C>T (p.Phe433=)

Gene: GABRA5 (gamma-aminobutyric acid type A receptor subunit alpha5; plus strand). Cytogenetic location: 15q12.
Variant type: single nucleotide variant.
Coding change: c.1299C>T on transcript NM_000810.4 (MANE Select); coding-DNA position 1299, C replaced by T.
Protein change: p.Phe433=; no amino-acid change (phenylalanine 433 retained).
Molecular consequence: synonymous variant.
Genome position (GRCh38, 1-based): chr15:26,948,143, C>T. VCF-style: chr15-26948143-C-T. GRCh37 (hg19) VCF-style: chr15-27193290-C-T.
Other names: c.1299C>T, p.Phe433= (NM_001165037.2).
Identifiers: ClinVar variation 2645029 (VCV002645029.24), dbSNP rs1394239964, ClinGen allele CA489239379.
Genomic context (GRCh38, chr15:26,948,143, plus strand): 5'-TGAAAGCAAAAAGACTTACAACAGTATCAGCAAAATTGACAAAATGTCCCGAATCGTATT[C>T]CCAGTCTTGTTCGGCACTTTCAACTTAGTTTACTGGGCAACGTATTTGAATAGGGAGCCG-3'
Protein context (NP_000801.1, residues 423-443): SKIDKMSRIV[Phe433=]PVLFGTFNLV